The following is an entry in ClinVar:

ClinVar aggregate classification (germline): Pathogenic (1 of 4 stars; one submission).

Submission:

Labcorp Genetics (formerly Invitae), Labcorp
Classification: Pathogenic. Last evaluated: 2019-05-17. Review status: criteria provided, single submitter. Criteria: Invitae Variant Classification Sherloc (09022015). Collection method: clinical testing. Allele origin: germline.
Comment: Loss-of-function variants in ASNS are known to be pathogenic (PMID: 27422383, 30057589). This variant has not been reported in the literature in individuals with ASNS-related conditions. This variant is not present in population databases (ExAC no frequency). This sequence change creates a premature translational stop signal (p.Ser476*) in the ASNS gene. It is expected to result in an absent or disrupted protein product. For these reasons, this variant has been classified as Pathogenic.

Literature cited by the submitters: PubMed 27422383; PubMed 30057589.

NM_001673.5(ASNS):c.1427C>A (p.Ser476Ter)

Genes: CZ1P-ASNS (CZ1P-ASNS readthrough; minus strand), ASNS (asparagine synthetase (glutamine-hydrolyzing); minus strand). Cytogenetic location: 7q21.3.
Variant type: single nucleotide variant.
Coding change: c.1427C>A on transcript NM_001673.5 (MANE Select); coding-DNA position 1427, C replaced by A.
Protein change: p.Ser476Ter; replaces serine 476 with a stop codon.
Molecular consequence: nonsense. On other transcripts: non-coding transcript variant (1).
Genome position (GRCh38, 1-based): chr7:97,853,109, G>T on the plus strand (C>A on the coding strand, the complement: ASNS is on the minus strand). VCF-style: chr7-97853109-G-T. GRCh37 (hg19) VCF-style: chr7-97482421-G-T.
Other names: c.1427C>A, p.Ser476Ter (NM_133436.3, NM_001352496.2, NM_183356.4); c.1364C>A, p.Ser455Ter (NM_001178075.2); c.1178C>A, p.Ser393Ter (NM_001178076.2, NM_001178077.1); short protein forms S476*, S455*, S393*.
Identifiers: ClinVar variation 853072 (VCV000853072.7), dbSNP rs1791261153, ClinGen allele CA368264533.